The following is an entry in ClinVar:

ClinVar aggregate classification (germline): Uncertain significance (0 of 4 stars; one submission).

Conditions:
ABCB4-related disorder. Also called: ABCB4-related disorders; ABCB4-related condition.

gnomAD v4.1: 19 of 1,614,004 alleles (0.0012%); highest among the groups gnomAD compares: Admixed American, 0.0033%; no homozygotes.

Submission:

PreventionGenetics, part of Exact Sciences
Classification: Uncertain significance for ABCB4-related condition. Last evaluated: 2024-08-01. Review status: no assertion criteria provided. Collection method: clinical testing. Allele origin: germline.
Comment: The ABCB4 c.2135T>C variant is predicted to result in the amino acid substitution p.Val712Ala. To our knowledge, this variant has not been reported in the literature. This variant is reported in 0.0018% of alleles in individuals of European (Non-Finnish) descent in gnomAD. At this time, the clinical significance of this variant is uncertain due to the absence of conclusive functional and genetic evidence.

NM_000443.4(ABCB4):c.2135T>C (p.Val712Ala)

Gene: ABCB4 (ATP binding cassette subfamily B member 4; minus strand). Cytogenetic location: 7q21.12.
Variant type: single nucleotide variant.
Coding change: c.2135T>C on transcript NM_000443.4 (MANE Select); coding-DNA position 2135, T replaced by C.
Protein change: p.Val712Ala; replaces valine 712 with alanine.
Molecular consequence: missense variant.
Genome position (GRCh38, 1-based): chr7:87,423,982, A>G on the plus strand (T>C on the coding strand, the complement: ABCB4 is on the minus strand). VCF-style: chr7-87423982-A-G. GRCh37 (hg19) VCF-style: chr7-87053298-A-G.
Other names: c.2135T>C, p.Val712Ala (NM_018849.3, NM_018850.3); short protein forms V712A.
Identifiers: ClinVar variation 3358246 (VCV003358246.1).